The following is an entry in ClinVar:

ClinVar aggregate classification (germline): Pathogenic (1 of 4 stars; one submission).

Submission:

Quest Diagnostics Nichols Institute San Juan Capistrano
Classification: Pathogenic. Last evaluated: 2022-05-10. Review status: criteria provided, single submitter. Criteria: ACMG/ClinGen CNV Guidelines, 2019. Collection method: clinical testing. Allele origin: unknown.
Comment: This 1q terminal deletion involves more than 100 genes. It fully encompasses the 1q43q44 deletion syndrome (OMIM 612337) region, which is characterized by severe intellectual disability with serious speech impairment, hypotonia, motor delay, a low birth weight, microcephaly, short stature, seizures, and feeding problems. Common dysmorphic features included round face, deep-set eyes, prominent metopic ridge, short nose with a broad or prominent nasal tip, thin bow-shaped upper lip, and widely spaced teeth (Depienne, et al. Hum Genet. 2017;136(4):463-479. PMID: 28283832; Ballif, et al., Hum. Genet. 131: 145-156, 2012, PMID: 21800092; Thierry, et al. Am J Med Genet A. 2012;158A(7):1633-1640. PMID: 22678713; Hill, et al. Am J Med Genet A. 2007;143A(15):1692-1698. PMID: 17603806; van Bon, et al., J. Med. Genet. 45: 346-354, 2008, PMID: 19372089; De Vries, et al., J. Med. Genet. 38: 175-178, 2001, PMID: 11303509). The size of 1q43q44 deletions are variable and incomplete penetrance or variable expressivity has been observed. Primary candidate genes for the brain anomalies are: AKT3 for microcephaly; HNRNPU for epilepsy and intellectual disability; ZBTB18 for variable corpus callosum.

GRCh37/hg19 1q43-44(chr1:239910960-249224684)x1

Genes: ADSS2 (adenylosuccinate synthase 2; minus strand), AHCTF1 (AT-hook containing transcription factor 1; minus strand), AKT3 (AKT serine/threonine kinase 3; minus strand), CATSPERE (catsper channel auxiliary subunit epsilon; plus strand), CEP170 (centrosomal protein 170; minus strand) and 78 more. Cytogenetic location: 1q43-44.
Variant type: copy number loss.
Change: copy number 1 (one copy instead of two) of chr1:239,910,960-249,224,684 (9.31 Mb, GRCh37 coordinates, 1-based), cytogenetic band 1q43-44.
Identifiers: ClinVar variation 1808659 (VCV001808659.1).